The following is an entry in ClinVar:

NM_004168.4(SDHA):c.1830C>G (p.Ile610Met)

Gene: SDHA (succinate dehydrogenase complex flavoprotein subunit A; plus strand). Cytogenetic location: 5p15.33.
Variant type: single nucleotide variant.
Coding change: c.1830C>G on transcript NM_004168.4 (MANE Select); coding-DNA position 1830, C replaced by G.
Protein change: p.Ile610Met; replaces isoleucine 610 with methionine.
Molecular consequence: missense variant.
Genome position (GRCh38, 1-based): chr5:254,428, C>G. VCF-style: chr5-254428-C-G. GRCh37 (hg19) VCF-style: chr5-254543-C-G.
Other names: c.1686C>G, p.Ile562Met (NM_001294332.2); c.1587C>G, p.Ile529Met (NM_001330758.2); short protein forms I610M, I529M, I562M.
Identifiers: ClinVar variation 648033 (VCV000648033.12), dbSNP rs1209697697, ClinGen allele CA359001826.

ClinVar aggregate classification (germline): Uncertain significance. Review status: criteria provided, multiple submitters, no conflicts (2 of 4 stars). 2 submissions from 2 submitters: Uncertain significance (2). Last evaluated 2025-04-14.

Conditions:
Pheochromocytoma/paraganglioma syndrome 5. Also called: Paragangliomas 5; SDHA-Related Hereditary Paraganglioma-Pheochromocytoma Syndrome. Identifiers: Orphanet 29072, MedGen C3279992, MONDO:0013602, OMIM 614165.
Mitochondrial complex II deficiency, nuclear type 1. Also called: SUCCINATE CoQ REDUCTASE DEFICIENCY. Identifiers: Orphanet 3208, MedGen C5700310, MONDO:0100294, OMIM 252011.
Hereditary cancer-predisposing syndrome. Also called: Tumor predisposition; Neoplastic Syndromes, Hereditary; Hereditary Cancer Syndrome; Hereditary neoplastic syndrome. Identifiers: Orphanet 140162, MedGen C0027672, MeSH D009386, MONDO:0015356.

Allele frequency attached by ClinVar (database versions not stated): gnomAD exomes below 0.00001 and 0.00001.
gnomAD v4.1: 8 of 1,603,304 alleles (0.0005%); highest among the groups gnomAD compares: Non-Finnish European, 0.00068%; no homozygotes.

Submissions (2):

Labcorp Genetics (formerly Invitae), Labcorp
Classification: Uncertain significance for Pheochromocytoma/paraganglioma syndrome 5; Mitochondrial complex II deficiency, nuclear type 1. Last evaluated: 2025-04-14. Review status: criteria provided, single submitter. Criteria: Invitae Variant Classification Sherloc (09022015). Collection method: clinical testing. Allele origin: germline.
Comment: This sequence change replaces isoleucine, which is neutral and non-polar, with methionine, which is neutral and non-polar, at codon 610 of the SDHA protein (p.Ile610Met). The frequency data for this variant in the population databases is considered unreliable, as metrics indicate poor data quality at this position in the gnomAD database. This variant has not been reported in the literature in individuals affected with SDHA-related conditions. ClinVar contains an entry for this variant (Variation ID: 648033). Invitae Evidence Modeling of protein sequence and biophysical properties (such as structural, functional, and spatial information, amino acid conservation, physicochemical variation, residue mobility, and thermodynamic stability) indicates that this missense variant is not expected to disrupt SDHA protein function with a negative predictive value of 95%. In summary, the available evidence is currently insufficient to determine the role of this variant in disease. Therefore, it has been classified as a Variant of Uncertain Significance.

Ambry Genetics
Classification: Uncertain significance for Hereditary cancer-predisposing syndrome. Last evaluated: 2024-09-22. Review status: criteria provided, single submitter. Criteria: Ambry Variant Classification Scheme 2023. Collection method: clinical testing. Allele origin: germline.
Comment: The p.I610M variant (also known as c.1830C>G), located in coding exon 14 of the SDHA gene, results from a C to G substitution at nucleotide position 1830. The isoleucine at codon 610 is replaced by methionine, an amino acid with highly similar properties. This amino acid position is conserved. In addition, this alteration is predicted to be tolerated by in silico analysis. Since supporting evidence is limited at this time, the clinical significance of this alteration remains unclear.